The following is an entry in ClinVar:

NM_000257.4(MYH7):c.2752A>G (p.Lys918Glu)

Gene: MYH7 (myosin heavy chain 7; minus strand). Cytogenetic location: 14q11.2.
Variant type: single nucleotide variant.
Coding change: c.2752A>G on transcript NM_000257.4 (MANE Select); coding-DNA position 2752, A replaced by G.
Protein change: p.Lys918Glu; replaces lysine 918 with glutamic acid.
Molecular consequence: missense variant.
Genome position (GRCh38, 1-based): chr14:23,424,077, T>C on the plus strand (A>G on the coding strand, the complement: MYH7 is on the minus strand). VCF-style: chr14-23424077-T-C. GRCh37 (hg19) VCF-style: chr14-23893286-T-C.
Other names: short protein forms K918E.
Identifiers: ClinVar variation 1321086 (VCV001321086.4), dbSNP rs2138663762, ClinGen allele CA389047179.
Genomic context (GRCh38, chr14:23,424,077, plus strand): 5'-CAGTGAGCTCAGCATTCATCTCCTCCTCATCCTCCAGCCTCTCGTTCATCTCCTTCACCT[T>C]GGCCTCCAGCTGAATCTTGTTTTTGATCAGCTGATCACAGCGCTCCTCAGCATCTGCCAG-3'
Protein context (NP_000248.2, residues 908-928): LIKNKIQLEA[Lys918Glu]VKEMNERLED

ClinVar aggregate classification (germline): Likely pathogenic (1 of 4 stars; one submission).

Submission:

GeneDx
Classification: Likely pathogenic. Last evaluated: 2026-09-16. Review status: criteria provided, single submitter. Criteria: GeneDx Variant Classification Process June 2021. Collection method: clinical testing. Allele origin: germline.
Comment: Has not been previously published as pathogenic or benign to our knowledge; Not observed at significant frequency in large population cohorts (gnomAD); In silico analysis supports that this missense variant has a deleterious effect on protein structure/function; This variant is associated with the following publications: (PMID: 27532257, 29300372)